The following is an entry in ClinVar:

ClinVar aggregate classification (germline): Uncertain significance (1 of 4 stars; one submission).

Conditions:
RASopathy. Also called: Noonan spectrum disorder; rasopathies. Identifiers: Orphanet 536391, MedGen C5555857, MONDO:0021060.

Submission:

Labcorp Genetics (formerly Invitae), Labcorp
Classification: Uncertain significance for RASopathy. Last evaluated: 2023-11-29. Review status: criteria provided, single submitter. Criteria: Invitae Variant Classification Sherloc (09022015). Collection method: clinical testing. Allele origin: germline.
Comment: This sequence change replaces leucine, which is neutral and non-polar, with methionine, which is neutral and non-polar, at codon 177 of the MAP2K1 protein (p.Leu177Met). This variant is not present in population databases (gnomAD no frequency). This variant has not been reported in the literature in individuals affected with MAP2K1-related conditions. Advanced modeling of protein sequence and biophysical properties (such as structural, functional, and spatial information, amino acid conservation, physicochemical variation, residue mobility, and thermodynamic stability) performed at Invitae indicates that this missense variant is expected to disrupt MAP2K1 protein function with a positive predictive value of 80%. In summary, the available evidence is currently insufficient to determine the role of this variant in disease. Therefore, it has been classified as a Variant of Uncertain Significance.

NM_002755.4(MAP2K1):c.529C>A (p.Leu177Met)

Gene: MAP2K1 (mitogen-activated protein kinase kinase 1; plus strand). Cytogenetic location: 15q22.31.
Variant type: single nucleotide variant.
Coding change: c.529C>A on transcript NM_002755.4 (MANE Select); coding-DNA position 529, C replaced by A.
Protein change: p.Leu177Met; replaces leucine 177 with methionine.
Molecular consequence: missense variant.
Genome position (GRCh38, 1-based): chr15:66,444,668, C>A. VCF-style: chr15-66444668-C-A. GRCh37 (hg19) VCF-style: chr15-66737006-C-A.
Other names: c.385C>A, p.Leu129Met (NM_001411065.1); short protein forms L129M, L177M.
Identifiers: ClinVar variation 2699741 (VCV002699741.3), dbSNP rs1891815342, ClinGen allele CA392932180.
Genomic context (GRCh38, chr15:66,444,668, plus strand): 5'-TTTCTTATCACCAGTATTTTCTTTTCTTTTACATTCCCTTTCCTCTAGGTAATAAAAGGC[C>A]TGACATATCTGAGGGAGAAGCACAAGATCATGCACAGAGGTAAGAAGTTATTTGCTAGTT-3'
Protein context (NP_002746.1, residues 167-187): GKVSIAVIKG[Leu177Met]TYLREKHKIM